The following is an entry in ClinVar:

NM_014679.5(CEP57):c.1361C>G (p.Ser454Cys)

Gene: CEP57 (centrosomal protein 57; plus strand). Cytogenetic location: 11q21.
Variant type: single nucleotide variant.
Coding change: c.1361C>G on transcript NM_014679.5 (MANE Select); coding-DNA position 1361, C replaced by G.
Protein change: p.Ser454Cys; replaces serine 454 with cysteine.
Molecular consequence: missense variant.
Genome position (GRCh38, 1-based): chr11:95,831,114, C>G. VCF-style: chr11-95831114-C-G. GRCh37 (hg19) VCF-style: chr11-95564278-C-G.
Other names: c.1334C>G, p.Ser445Cys (NM_001243776.2); c.1283C>G, p.Ser428Cys (NM_001243777.2); c.1280C>G, p.Ser427Cys (NM_001363604.2); short protein forms S428C, S427C, S445C, S454C.
Identifiers: ClinVar variation 3490819 (VCV003490819.1).

ClinVar aggregate classification (germline): Uncertain significance (1 of 4 stars; one submission).

Conditions:
Inborn genetic diseases. Identifiers: MedGen C0950123, MeSH D030342.

Submission:

Ambry Genetics
Classification: Uncertain significance for Inborn genetic diseases. Last evaluated: 2024-11-18. Review status: criteria provided, single submitter. Criteria: Ambry Variant Classification Scheme 2023. Collection method: clinical testing. Allele origin: germline.
Comment: The p.S454C variant (also known as c.1361C>G), located in coding exon 11 of the CEP57 gene, results from a C to G substitution at nucleotide position 1361. The serine at codon 454 is replaced by cysteine, an amino acid with dissimilar properties. This amino acid position is conserved. In addition, this alteration is predicted to be tolerated by in silico analysis. Based on the available evidence, the clinical significance of this variant remains unclear.